The following is an entry in ClinVar:

NM_017849.4(TMEM127):c.259C>G (p.Pro87Ala)

Gene: TMEM127 (transmembrane protein 127; minus strand). Cytogenetic location: 2q11.2.
Variant type: single nucleotide variant.
Coding change: c.259C>G on transcript NM_017849.4 (MANE Select); coding-DNA position 259, C replaced by G.
Protein change: p.Pro87Ala; replaces proline 87 with alanine.
Molecular consequence: missense variant.
Genome position (GRCh38, 1-based): chr2:96,254,983, G>C on the plus strand (C>G on the coding strand, the complement: TMEM127 is on the minus strand). VCF-style: chr2-96254983-G-C. GRCh37 (hg19) VCF-style: chr2-96920721-G-C.
Other names: c.259C>G, p.Pro87Ala (NM_001193304.3); short protein forms P87A.
Identifiers: ClinVar variation 843221 (VCV000843221.11), dbSNP rs761101636, ClinGen allele CA1777365.

ClinVar aggregate classification (germline): Uncertain significance. Review status: criteria provided, multiple submitters, no conflicts (2 of 4 stars). 2 submissions from 2 submitters: Uncertain significance (2). Last evaluated 2024-12-07.

Conditions:
Hereditary cancer-predisposing syndrome. Also called: Hereditary Cancer Syndrome; Tumor predisposition; Neoplastic Syndromes, Hereditary; Hereditary neoplastic syndrome. Identifiers: Orphanet 140162, MedGen C0027672, MeSH D009386, MONDO:0015356.
Hereditary pheochromocytoma and paraganglioma. Also called: Hereditary pheochromocytoma-paraganglioma; Hereditary paragangliomas and pheochromocytomas; Hereditary Paraganglioma-Pheochromocytoma Syndromes. Identifiers: Orphanet 29072, MedGen C4274332, MONDO:0017366.

Allele frequency attached by ClinVar (database versions not stated): gnomAD exomes below 0.00001 and 0.00001; TOPMed below 0.00001; ExAC 0.00001.
gnomAD v4.1: 5 of 1,614,210 alleles (0.00031%); highest among the groups gnomAD compares: African/African-American, 0.0027%; no homozygotes.

Submissions (2):

Ambry Genetics
Classification: Uncertain significance for Hereditary cancer-predisposing syndrome. Last evaluated: 2024-12-07. Review status: criteria provided, single submitter. Criteria: Ambry Variant Classification Scheme 2023. Collection method: clinical testing. Allele origin: germline.
Comment: The p.P87A variant (also known as c.259C>G), located in coding exon 2 of the TMEM127 gene, results from a C to G substitution at nucleotide position 259. The proline at codon 87 is replaced by alanine, an amino acid with highly similar properties. This amino acid position is conserved. In addition, the in silico prediction for this alteration is inconclusive. Since supporting evidence is limited at this time, the clinical significance of this alteration remains unclear.

Labcorp Genetics (formerly Invitae), Labcorp
Classification: Uncertain significance for Hereditary pheochromocytoma and paraganglioma. Last evaluated: 2024-10-16. Review status: criteria provided, single submitter. Criteria: Invitae Variant Classification Sherloc (09022015). Collection method: clinical testing. Allele origin: germline.
Comment: This sequence change replaces proline, which is neutral and non-polar, with alanine, which is neutral and non-polar, at codon 87 of the TMEM127 protein (p.Pro87Ala). This variant is present in population databases (rs761101636, gnomAD 0.007%). This variant has not been reported in the literature in individuals affected with TMEM127-related conditions. ClinVar contains an entry for this variant (Variation ID: 843221). An algorithm developed to predict the effect of missense changes on protein structure and function (PolyPhen-2) suggests that this variant is likely to be tolerated. In summary, the available evidence is currently insufficient to determine the role of this variant in disease. Therefore, it has been classified as a Variant of Uncertain Significance.